The following is an entry in ClinVar:

ClinVar aggregate classification (germline): Uncertain significance (1 of 4 stars; one submission).

Submission:

Labcorp Genetics (formerly Invitae), Labcorp
Classification: Uncertain significance. Last evaluated: 2024-10-23. Review status: criteria provided, single submitter. Criteria: Invitae Variant Classification Sherloc (09022015). Collection method: clinical testing. Allele origin: germline.
Comment: This sequence change replaces isoleucine, which is neutral and non-polar, with threonine, which is neutral and polar, at codon 1393 of the LRP5 protein (p.Ile1393Thr). This variant is not present in population databases (gnomAD no frequency). This variant has not been reported in the literature in individuals affected with LRP5-related conditions. ClinVar contains an entry for this variant (Variation ID: 1372182). Invitae Evidence Modeling of protein sequence and biophysical properties (such as structural, functional, and spatial information, amino acid conservation, physicochemical variation, residue mobility, and thermodynamic stability) indicates that this missense variant is not expected to disrupt LRP5 protein function with a negative predictive value of 95%. In summary, the available evidence is currently insufficient to determine the role of this variant in disease. Therefore, it has been classified as a Variant of Uncertain Significance.

NM_002335.4(LRP5):c.4178T>C (p.Ile1393Thr)

Gene: LRP5 (LDL receptor related protein 5; plus strand). Cytogenetic location: 11q13.2.
Variant type: single nucleotide variant.
Coding change: c.4178T>C on transcript NM_002335.4 (MANE Select); coding-DNA position 4178, T replaced by C.
Protein change: p.Ile1393Thr; replaces isoleucine 1393 with threonine.
Molecular consequence: missense variant.
Genome position (GRCh38, 1-based): chr11:68,438,512, T>C. VCF-style: chr11-68438512-T-C. GRCh37 (hg19) VCF-style: chr11-68205980-T-C.
Other names: c.2435T>C, p.Ile812Thr (NM_001291902.2); short protein forms I1393T, I812T.
Identifiers: ClinVar variation 1372182 (VCV001372182.6), dbSNP rs1359119923, ClinGen allele CA381614951.
Genomic context (GRCh38, chr11:68,438,512, plus strand): 5'-CCAAGCCGCCCTCAGACGACAGCCCGGCCCACAGCAGTGCCATCGGGCCCGTCATTGGCA[T>C]CATCCTCTCTCTCTTCGTCATGGGTGGTGTCTATTTTGTGTGCCAGCGCGTGGTGTGCCA-3'
Protein context (NP_002326.2, residues 1383-1403): HSSAIGPVIG[Ile1393Thr]ILSLFVMGGV